The following is an entry in ClinVar:

ClinVar aggregate classification (germline): Conflicting classifications of pathogenicity. Review status: criteria provided, conflicting classifications (1 of 4 stars). 7 submissions from 7 submitters: Uncertain significance (6); Likely benign (1). Last evaluated 2025-11-12.

Conditions:
Myofibrillar myopathy 5. Also called: Filaminopathy (type); FILAMINOPATHY, AUTOSOMAL DOMINANT. Identifiers: Orphanet 171445, MedGen C1836050, MONDO:0012289, OMIM 609524.
Hypertrophic cardiomyopathy 26. Also called: Cardiomyopathy, familial hypertrophic, 26. Identifiers: Orphanet 75249, MedGen C4310749, MONDO:0014883, OMIM 617047.
Distal myopathy with posterior leg and anterior hand involvement. Also called: WILLIAMS DISTAL MYOPATHY. Identifiers: Orphanet 63273, MedGen C3279722, MONDO:0013550, OMIM 614065.
Cardiovascular phenotype. Identifiers: MedGen CN230736.

Allele frequency attached by ClinVar (database versions not stated): gnomAD exomes 0.00002; ExAC 0.00003; gnomAD 0.00003 and 0.00004; TOPMed 0.00003; ESP Exome Variant Server 0.00016.
gnomAD v4.1: 31 of 1,613,844 alleles (0.0019%); highest among the groups gnomAD compares: African/African-American, 0.008%; no homozygotes.

Submissions (7):

Labcorp Genetics (formerly Invitae), Labcorp
Classification: Likely benign for Distal myopathy with posterior leg and anterior hand involvement; Myofibrillar myopathy 5; Hypertrophic cardiomyopathy 26. Last evaluated: 2025-11-12. Review status: criteria provided, single submitter. Criteria: Invitae Variant Classification Sherloc (09022015). Collection method: clinical testing. Allele origin: germline.

Ambry Genetics
Classification: Uncertain significance for Cardiovascular phenotype. Last evaluated: 2024-07-31. Review status: criteria provided, single submitter. Criteria: Ambry Variant Classification Scheme 2023. Collection method: clinical testing. Allele origin: germline.
Comment: The p.I817T variant (also known as c.2450T>C), located in coding exon 16 of the FLNC gene, results from a T to C substitution at nucleotide position 2450. The isoleucine at codon 817 is replaced by threonine, an amino acid with similar properties. This alteration has been reported in a hypertrophic cardiomyopathy (HCM) cohort (Cirino AL et al. Circ Cardiovasc Genet, 2017 Oct;10:[ePub ahead of print]). This amino acid position is highly conserved in available vertebrate species. In addition, this alteration is predicted to be deleterious by in silico analysis. Based on the available evidence, the clinical significance of this variant remains unclear.

GeneDx
Classification: Uncertain significance. Last evaluated: 2024-01-02. Review status: criteria provided, single submitter. Criteria: GeneDx Variant Classification Process June 2021. Collection method: clinical testing. Allele origin: germline.
Comment: Identified in a patient with HCM who harbored a second variant in the ABCC9 gene (PMID: 29030401); In silico analysis supports that this missense variant has a deleterious effect on protein structure/function; This variant is associated with the following publications: (PMID: 32112656, 29030401)

Fulgent Genetics
Classification: Uncertain significance for Myofibrillar myopathy 5; Distal myopathy with posterior leg and anterior hand involvement; Hypertrophic cardiomyopathy 26. Last evaluated: 2021-09-06. Review status: criteria provided, single submitter. Criteria: ACMG Guidelines, 2015. Collection method: clinical testing. Allele origin: unknown.

Blueprint Genetics
Classification: Uncertain significance. Last evaluated: 2019-09-26. Review status: criteria provided, single submitter. Criteria: ACMG Guidelines, 2015. Collection method: clinical testing. Allele origin: germline.

Laboratory for Molecular Medicine, Mass General Brigham Personalized Medicine
Classification: Uncertain significance. Last evaluated: 2014-02-12. Review status: criteria provided, single submitter. Criteria: LMM Criteria. Collection method: clinical testing. Allele origin: germline. Inheritance: Autosomal dominant inheritance. Observed: 1 variant allele.
Comment: The c.2450T>C variant in FLNC has not been reported in the literature nor previo usly identified by our laboratory. The c.2450T>C has been identified in 2/4306 o f African American chromosomes by the NHLBI Exome Sequencing Project (.) though this frequency is not high enough to rule out a p athogenic role given the later onset of disease. Computational analyses suggest that the Ile817Thr variant in FLNC may impact the protein, though this informati on is not predictive enough to determine pathogenicity. In summary, additional d ata is needed to determine the clinical significance of this variant.

Center for Genomics, Ann and Robert H. Lurie Children's Hospital of Chicago
Classification: Uncertain significance for Hypertrophic cardiomyopathy 26; Distal myopathy with posterior leg and anterior hand involvement; Myofibrillar myopathy 5. Review status: criteria provided, single submitter. Criteria: ACMG Guidelines, 2015. Collection method: clinical testing. Allele origin: germline.
Comment: FLNC NM_001458.4 exon 16 p.Ile817Thr (c.2450T>C): This variant has been reported in the literature in one individual with hypertrophic cardiomyopathy (Cirino 2017 PMID:29030401). This variant is present in 0.008% (2/24146) of African alleles in the Genome Aggregation Database and is present in ClinVar (Variation ID:228692). Evolutionary conservation and computational predictive tools suggest that this variant may impact the protein. In summary, data on this variant is insufficient for disease classification. Therefore, the clinical significance of this variant is uncertain

Literature cited by the submitters: PubMed 29030401 (cited by Ambry Genetics); PubMed 21620354 (cited by Laboratory for Molecular Medicine, Mass General Brigham Personalized Medicine).

NM_001458.5(FLNC):c.2450T>C (p.Ile817Thr)

Gene: FLNC (filamin C; plus strand). Cytogenetic location: 7q32.1.
Variant type: single nucleotide variant.
Coding change: c.2450T>C on transcript NM_001458.5 (MANE Select); coding-DNA position 2450, T replaced by C.
Protein change: p.Ile817Thr; replaces isoleucine 817 with threonine.
Molecular consequence: missense variant.
Genome position (GRCh38, 1-based): chr7:128,842,854, T>C. VCF-style: chr7-128842854-T-C. GRCh37 (hg19) VCF-style: chr7-128482908-T-C.
Other names: c.2450T>C, p.Ile817Thr (NM_001127487.2); short protein forms I817T.
Identifiers: ClinVar variation 228692 (VCV000228692.18), dbSNP rs200653747, ClinGen allele CA4474736.